The following is an entry in ClinVar:

NC_000012.11:g.(?_122958044)_(122977356_?)dup

Gene: ZCCHC8 (zinc finger CCHC-type containing 8; minus strand). Cytogenetic location: 12q24.31.
Variant type: Duplication.
Identifiers: ClinVar variation 1513646 (VCV001513646.5).

ClinVar aggregate classification (germline): Uncertain significance (1 of 4 stars; one submission).

Submission:

Labcorp Genetics (formerly Invitae), Labcorp
Classification: Uncertain significance. Last evaluated: 2022-11-22. Review status: criteria provided, single submitter. Criteria: Invitae Variant Classification Sherloc (09022015). Collection method: clinical testing. Allele origin: germline.
Comment: In summary, the available evidence is currently insufficient to determine the role of this variant in disease. Therefore, it has been classified as a Variant of Uncertain Significance. This variant has not been reported in the literature in individuals affected with ZCCHC8-related conditions. This variant results in a copy number gain of the genomic region encompassing exon(s) 3-14 of the ZCCHC8 gene. This region includes the termination codon of the gene. This copy number gain extends beyond the assayed region for this gene and therefore may encompass additional genes. As the precise location of this event is unknown, it may be in tandem or it may be located elsewhere in the genome.